The following is an entry in ClinVar:

ClinVar aggregate classification (germline): Uncertain significance (1 of 4 stars; one submission).

gnomAD v4.1: 1 of 1,610,592 alleles (0.000062%); highest among the groups gnomAD compares: Admixed American, 0.0017%; no homozygotes.

Submission:

Labcorp Genetics (formerly Invitae), Labcorp
Classification: Uncertain significance. Last evaluated: 2025-02-06. Review status: criteria provided, single submitter. Criteria: Invitae Variant Classification Sherloc (09022015). Collection method: clinical testing. Allele origin: germline.
Comment: This sequence change replaces alanine, which is neutral and non-polar, with threonine, which is neutral and polar, at codon 387 of the PPP3CA protein (p.Ala387Thr). This variant is present in population databases (rs536640678, gnomAD 0.003%). This variant has not been reported in the literature in individuals affected with PPP3CA-related conditions. An algorithm developed to predict the effect of missense changes on protein structure and function (PolyPhen-2) suggests that this variant is likely to be tolerated. In summary, the available evidence is currently insufficient to determine the role of this variant in disease. Therefore, it has been classified as a Variant of Uncertain Significance.

NM_000944.5(PPP3CA):c.1159G>A (p.Ala387Thr)

Gene: PPP3CA (protein phosphatase 3 catalytic subunit alpha; minus strand). Cytogenetic location: 4q24.
Variant type: single nucleotide variant.
Coding change: c.1159G>A on transcript NM_000944.5 (MANE Select); coding-DNA position 1159, G replaced by A.
Protein change: p.Ala387Thr; replaces alanine 387 with threonine.
Molecular consequence: missense variant.
Genome position (GRCh38, 1-based): chr4:101,040,564, C>T on the plus strand (G>A on the coding strand, the complement: PPP3CA is on the minus strand). VCF-style: chr4-101040564-C-T. GRCh37 (hg19) VCF-style: chr4-101961721-C-T.
Other names: c.1159G>A, p.Ala387Thr (NM_001130691.2); c.1033G>A, p.Ala345Thr (NM_001130692.2); short protein forms A345T, A387T.
Identifiers: ClinVar variation 4772639 (VCV004772639.1).